The following is an entry in ClinVar:

ClinVar aggregate classification (germline): Conflicting classifications of pathogenicity. Review status: criteria provided, conflicting classifications (1 of 4 stars). 2 submissions from 2 submitters: Uncertain significance (1); Likely benign (1). Last evaluated 2024-05-30.

Conditions:
Charcot-Marie-Tooth disease type 2. Also called: Charcot-Marie-Tooth type 2. Identifiers: Orphanet 64746, MedGen C0270914, MONDO:0018993.

Allele frequency attached by ClinVar (database versions not stated): gnomAD exomes below 0.00001; ExAC 0.00001; gnomAD 0.00004; TOPMed 0.00003.
gnomAD v4.1: 13 of 1,607,576 alleles (0.00081%); highest among the groups gnomAD compares: African/African-American, 0.008%; no homozygotes.

Submissions (2):

Ambry Genetics
Classification: Likely benign. Last evaluated: 2024-05-30. Review status: criteria provided, single submitter. Criteria: Ambry Variant Classification Scheme 2023. Collection method: clinical testing. Allele origin: germline.

Labcorp Genetics (formerly Invitae), Labcorp
Classification: Uncertain significance for Charcot-Marie-Tooth disease type 2. Last evaluated: 2024-05-18. Review status: criteria provided, single submitter. Criteria: Invitae Variant Classification Sherloc (09022015). Collection method: clinical testing. Allele origin: germline.
Comment: This sequence change replaces asparagine, which is neutral and polar, with serine, which is neutral and polar, at codon 235 of the KIF1B protein (p.Asn235Ser). This variant is present in population databases (rs765617846, gnomAD 0.006%). This variant has not been reported in the literature in individuals affected with KIF1B-related conditions. ClinVar contains an entry for this variant (Variation ID: 1756864). Advanced modeling of protein sequence and biophysical properties (such as structural, functional, and spatial information, amino acid conservation, physicochemical variation, residue mobility, and thermodynamic stability) performed at Invitae indicates that this missense variant is not expected to disrupt KIF1B protein function with a negative predictive value of 80%. In summary, the available evidence is currently insufficient to determine the role of this variant in disease. Therefore, it has been classified as a Variant of Uncertain Significance.

NM_001365951.3(KIF1B):c.704A>G (p.Asn235Ser)

Gene: KIF1B (kinesin family member 1B; plus strand). Cytogenetic location: 1p36.22.
Variant type: single nucleotide variant.
Coding change: c.704A>G on transcript NM_001365951.3 (MANE Select); coding-DNA position 704, A replaced by G.
Protein change: p.Asn235Ser; replaces asparagine 235 with serine.
Molecular consequence: missense variant.
Genome position (GRCh38, 1-based): chr1:10,268,247, A>G. VCF-style: chr1-10268247-A-G. GRCh37 (hg19) VCF-style: chr1-10328305-A-G.
Other names: c.704A>G, p.Asn235Ser (NM_001365952.1, NM_001365953.1, NM_015074.3 and 1 more transcripts); short protein forms N235S.
Identifiers: ClinVar variation 1756864 (VCV001756864.7), dbSNP rs765617846, ClinGen allele CA580756.